The following is an entry in ClinVar:

ClinVar aggregate classification (germline): Conflicting classifications of pathogenicity. Review status: criteria provided, conflicting classifications (1 of 4 stars). 2 submissions from 2 submitters: Uncertain significance (1); Likely benign (1). Last evaluated 2023-02-16.

Allele frequency attached by ClinVar (database versions not stated): TOPMed below 0.00001; gnomAD exomes 0.00001.
gnomAD v4.1: 3 of 1,613,970 alleles (0.00019%); highest among the groups gnomAD compares: Admixed American, 0.005%; no homozygotes.

Submissions (2):

Labcorp Genetics (formerly Invitae), Labcorp
Classification: Likely benign. Last evaluated: 2023-02-16. Review status: criteria provided, single submitter. Criteria: Invitae Variant Classification Sherloc (09022015). Collection method: clinical testing. Allele origin: germline.

GeneDx
Classification: Uncertain significance. Last evaluated: 2022-04-11. Review status: criteria provided, single submitter. Criteria: GeneDx Variant Classification Process June 2021. Collection method: clinical testing. Allele origin: germline. Affected: yes.
Comment: Not observed at significant frequency in large population cohorts (gnomAD); In silico analysis supports that this missense variant does not alter protein structure/function; Has not been previously published as pathogenic or benign to our knowledge

NM_032119.4(ADGRV1):c.7664A>G (p.Lys2555Arg)

Gene: ADGRV1 (adhesion G protein-coupled receptor V1; plus strand). Cytogenetic location: 5q14.3.
Variant type: single nucleotide variant.
Coding change: c.7664A>G on transcript NM_032119.4 (MANE Select); coding-DNA position 7664, A replaced by G.
Protein change: p.Lys2555Arg; replaces lysine 2555 with arginine.
Molecular consequence: missense variant. On other transcripts: non-coding transcript variant (1).
Genome position (GRCh38, 1-based): chr5:90,694,420, A>G. VCF-style: chr5-90694420-A-G. GRCh37 (hg19) VCF-style: chr5-89990237-A-G.
Other names: short protein forms K2555R.
Identifiers: ClinVar variation 1327642 (VCV001327642.6), dbSNP rs1284659275, ClinGen allele CA360380268.